The following is an entry in ClinVar:

NM_000070.3(CAPN3):c.2333_2336dup (p.Phe779fs)

Gene: CAPN3 (calpain 3; plus strand). Cytogenetic location: 15q15.1.
Variant type: Duplication.
Coding change: c.2333_2336dup on transcript NM_000070.3 (MANE Select); coding-DNA positions 2333 to 2336, 4 bases duplicated (ACTT; older notation c.2333_2336dupACTT).
Protein change: p.Phe779fs; shifts the reading frame from phenylalanine 779.
Molecular consequence: frameshift variant.
Genome position (GRCh38, 1-based): chr15:42,410,953-42,410,956, ACTT duplicated. VCF-style (leftmost placement, unchanged base first): chr15-42410952-G-GACTT. GRCh37 (hg19) VCF-style: chr15-42703150-G-GACTT.
Other names: c.2315_2318dup, p.Phe773fs (NM_024344.2); c.2057_2060dup, p.Phe687fs (NM_173087.2); c.797_800dup, p.Phe267fs (NM_173088.2); c.338_341dup, p.Phe114fs (NM_173089.2, NM_173090.2); c.*1431_*1434dup (NM_212464.2); c.*2008_*2011dup (NM_212467.2); short protein forms F114fs, F267fs, F773fs, F779fs, F687fs.
Identifiers: ClinVar variation 2585367 (VCV002585367.1), dbSNP rs2548294490, ClinGen allele CA2582342612.
Genomic context (GRCh38, chr15:42,410,952, plus strand): 5'-CTCAACAACCAGCTCTATGACATCATTACCATGCGGTACGCAGACAAACACATGAACATC[G>GACTT]ACTTTGACAGTTTCATCTGCTGCTTCGTTAGGCTGGAGGGCATGTTCAGTAAGTGGGAGA-3'

ClinVar aggregate classification (germline): Likely pathogenic (1 of 4 stars; one submission).

Conditions:
Autosomal recessive limb-girdle muscular dystrophy type 2A (LGMDR1). Also called: Limb-girdle muscular dystrophy, type 2A; Muscular dystrophy, limb-girdle, type 2A, Amish; Calpainopathy; LEYDEN-MOEBIUS MUSCULAR DYSTROPHY; MUSCULAR DYSTROPHY, PELVOFEMORAL. Identifiers: Orphanet 267, MedGen C1869123, MONDO:0009675, OMIM 253600. Disease mechanism: loss of function.

Submission:

Neuberg Centre For Genomic Medicine, NCGM
Classification: Likely pathogenic for Autosomal recessive limb-girdle muscular dystrophy type 2A. Review status: criteria provided, single submitter. Criteria: ACMG Guidelines, 2015. Collection method: clinical testing. Allele origin: germline. Inheritance: Autosomal recessive inheritance. Affected: yes.
Comment: The frameshift variant in c.2333_2336dup (p.Phe779LeufsTer3) in CAPN3 gene has not been reported previously as a pathogenic variant nor as a benign variant, to our knowledge. The p.Phe779LeufsTer3 variant is novel (not in any individuals) in gnomAD Exomes and 1000 Genomes. This variant causes a frameshift starting with codon Phenylalanine 779, changes this amino acid to Leucine residue, and creates a premature Stop codon at position 3 of the new reading frame, denoted p.Phe779LeufsTer3. For these reasons, this variant has been classified as Likely Pathogenic.